The following is an entry in ClinVar:

ClinVar aggregate classification (germline): Uncertain significance (1 of 4 stars; one submission).

Conditions:
Glycogen storage disease due to lactate dehydrogenase M-subunit deficiency (GSD11). Also called: Glycogen storage disease XI; GSD XI; LACTATE DEHYDROGENASE A DEFICIENCY. Identifiers: Orphanet 284426, MedGen C2931743, MONDO:0013047, OMIM 612933.

Allele frequency attached by ClinVar (database versions not stated): ExAC 0.00001; gnomAD 0.00001; gnomAD exomes 0.00001; TOPMed below 0.00001.
gnomAD v4.1: 4 of 1,613,866 alleles (0.00025%); highest among the groups gnomAD compares: Admixed American, 0.005%; no homozygotes.

Submission:

Labcorp Genetics (formerly Invitae), Labcorp
Classification: Uncertain significance for Glycogen storage disease due to lactate dehydrogenase M-subunit deficiency. Last evaluated: 2022-07-19. Review status: criteria provided, single submitter. Criteria: Invitae Variant Classification Sherloc (09022015). Collection method: clinical testing. Allele origin: germline.
Comment: In summary, the available evidence is currently insufficient to determine the role of this variant in disease. Therefore, it has been classified as a Variant of Uncertain Significance. Algorithms developed to predict the effect of missense changes on protein structure and function (SIFT, PolyPhen-2, Align-GVGD) all suggest that this variant is likely to be tolerated. This variant has not been reported in the literature in individuals affected with LDHA-related conditions. This variant is present in population databases (rs766720385, gnomAD 0.003%). This sequence change replaces arginine, which is basic and polar, with lysine, which is basic and polar, at codon 268 of the LDHA protein (p.Arg268Lys).

NM_005566.4(LDHA):c.803G>A (p.Arg268Lys)

Gene: LDHA (lactate dehydrogenase A; plus strand). Cytogenetic location: 11p15.1.
Variant type: single nucleotide variant.
Coding change: c.803G>A on transcript NM_005566.4 (MANE Select); coding-DNA position 803, G replaced by A.
Protein change: p.Arg268Lys; replaces arginine 268 with lysine.
Molecular consequence: missense variant. On other transcripts: non-coding transcript variant (1), intron variant (2).
Genome position (GRCh38, 1-based): chr11:18,405,541, G>A. VCF-style: chr11-18405541-G-A. GRCh37 (hg19) VCF-style: chr11-18427088-G-A.
Other names: c.629G>A, p.Arg210Lys (NM_001135239.2); c.890G>A, p.Arg297Lys (NM_001165414.2); c.711-1576G>A (NM_001165416.2); c.688-1698G>A (NM_001165415.2); short protein forms R210K, R297K, R268K.
Identifiers: ClinVar variation 1938035 (VCV001938035.3), dbSNP rs766720385, ClinGen allele CA5911389.